The following is an entry in ClinVar:

ClinVar aggregate classification (germline): Pathogenic/Likely pathogenic. Review status: criteria provided, multiple submitters, no conflicts (2 of 4 stars). 3 submissions from 3 submitters: Pathogenic (2); Likely pathogenic (1). Last evaluated 2021-05-25.

Conditions:
FZD4-related disorder. Also called: FZD4-related condition.

Submissions (3):

Labcorp Genetics (formerly Invitae), Labcorp
Classification: Pathogenic. Last evaluated: 2021-05-25. Review status: criteria provided, single submitter. Criteria: Invitae Variant Classification Sherloc (09022015). Collection method: clinical testing. Allele origin: germline.
Comment: This sequence change replaces glycine with arginine at codon 492 of the FZD4 protein (p.Gly492Arg). The glycine residue is highly conserved and there is a moderate physicochemical difference between glycine and arginine. This variant is not present in population databases (ExAC no frequency). This variant has been observed in individual(s) with familial exudative vitreoretinopathy (PMID: 17899116). It has also been observed to segregate with disease in related individuals. ClinVar contains an entry for this variant (Variation ID: 986930). Experimental studies have shown that this variant does not substantially affect FZD4 protein function (PMID: 24744206). For these reasons, this variant has been classified as Pathogenic.

Institute of Medical Genetics and Applied Genomics, University Hospital Tübingen
Classification: Likely pathogenic. Last evaluated: 2020-10-23. Review status: criteria provided, single submitter. Criteria: ACMG Guidelines, 2015. Collection method: clinical testing. Allele origin: germline. Inheritance: Unknown mechanism. Affected: yes.

Blueprint Genetics
Classification: Pathogenic for FZD4-related disorders. Last evaluated: 2019-04-02. Review status: criteria provided, single submitter. Criteria: ACMG Guidelines, 2015. Collection method: clinical testing. Allele origin: germline. Affected: yes. Observed: 2 variant alleles.

Literature cited by the submitters: PubMed 17899116 (cited by Labcorp Genetics (formerly Invitae), Labcorp); PubMed 24744206 (cited by Labcorp Genetics (formerly Invitae), Labcorp).

NM_012193.4(FZD4):c.1474G>C (p.Gly492Arg)

Genes: FZD4 (frizzled class receptor 4; minus strand), PRSS23 (serine protease 23; plus strand). Cytogenetic location: 11q14.2.
Variant type: single nucleotide variant.
Coding change: c.1474G>C on transcript NM_012193.4 (MANE Select); coding-DNA position 1474, G replaced by C.
Protein change: p.Gly492Arg; replaces glycine 492 with arginine.
Molecular consequence: missense variant. On other transcripts: non-coding transcript variant (2).
Genome position (GRCh38, 1-based): chr11:86,951,282, C>G on the plus strand (G>C on the coding strand, the complement: FZD4 is on the minus strand). VCF-style: chr11-86951282-C-G. GRCh37 (hg19) VCF-style: chr11-86662324-C-G.
Other names: short protein forms G492R.
Identifiers: ClinVar variation 986930 (VCV000986930.10), dbSNP rs80358299, ClinGen allele CA225380426.